The following is an entry in ClinVar:

ClinVar aggregate classification (germline): Uncertain significance. Review status: criteria provided, multiple submitters, no conflicts (2 of 4 stars). 2 submissions from 2 submitters: Uncertain significance (2). Last evaluated 2025-04-10.

Conditions:
Inborn genetic diseases. Identifiers: MedGen C0950123, MeSH D030342.
Glycogen storage disease type X (GSD10). Also called: MYOPATHY DUE TO PHOSPHOGLYCERATE MUTASE DEFICIENCY; PGAMM DEFICIENCY; GSD X; PHOSPHOGLYCERATE MUTASE, MUSCLE, DEFICIENCY OF; Dimauro disease; Glycogen storage disease due to phosphoglycerate mutase deficiency. Identifiers: Orphanet 97234, MedGen C0268149, MONDO:0009865, OMIM 261670.

Allele frequency attached by ClinVar (database versions not stated): gnomAD 0.00002; TOPMed 0.00002; gnomAD exomes 0.00001.
gnomAD v4.1: 9 of 1,613,906 alleles (0.00056%); highest among the groups gnomAD compares: Admixed American, 0.012%; no homozygotes.

Submissions (2):

Ambry Genetics
Classification: Uncertain significance for Inborn genetic diseases. Last evaluated: 2025-04-10. Review status: criteria provided, single submitter. Criteria: Ambry Variant Classification Scheme 2023. Collection method: clinical testing. Allele origin: germline.

Labcorp Genetics (formerly Invitae), Labcorp
Classification: Uncertain significance for Glycogen storage disease type X. Last evaluated: 2021-12-02. Review status: criteria provided, single submitter. Criteria: Invitae Variant Classification Sherloc (09022015). Collection method: clinical testing. Allele origin: germline.
Comment: This sequence change replaces phenylalanine, which is neutral and non-polar, with serine, which is neutral and polar, at codon 52 of the PGAM2 protein (p.Phe52Ser). This variant is present in population databases (no rsID available, gnomAD 0.006%). This variant has not been reported in the literature in individuals affected with PGAM2-related conditions. Algorithms developed to predict the effect of missense changes on protein structure and function are either unavailable or do not agree on the potential impact of this missense change (SIFT: "Tolerated"; PolyPhen-2: "Probably Damaging"; Align-GVGD: "Class C0"). In summary, the available evidence is currently insufficient to determine the role of this variant in disease. Therefore, it has been classified as a Variant of Uncertain Significance.

NM_000290.4(PGAM2):c.155T>C (p.Phe52Ser)

Genes: DBNL (drebrin like; plus strand), PGAM2 (phosphoglycerate mutase 2; minus strand). Cytogenetic location: 7p13.
Variant type: single nucleotide variant.
Coding change: c.155T>C on transcript NM_000290.4 (MANE Select); coding-DNA position 155, T replaced by C.
Protein change: p.Phe52Ser; replaces phenylalanine 52 with serine.
Molecular consequence: missense variant. On other transcripts: 3 prime UTR variant (6).
Genome position (GRCh38, 1-based): chr7:44,065,375, A>G on the plus strand (T>C on the coding strand, the complement: PGAM2 is on the minus strand). VCF-style: chr7-44065375-A-G. GRCh37 (hg19) VCF-style: chr7-44104974-A-G.
Other names: c.*4459A>G (NM_001014436.3, NM_001122956.2, NM_001284313.2 and 3 more transcripts); c.155T>C (NM_000290.3); short protein forms F52S.
Identifiers: ClinVar variation 2158095 (VCV002158095.4), dbSNP rs929959611, ClinGen allele CA157875574.